The following is an entry in ClinVar:

ClinVar aggregate classification (germline): Uncertain significance (1 of 4 stars; one submission).

gnomAD v4.1: 1 of 1,614,244 alleles (0.000062%); highest among the groups gnomAD compares: African/African-American, 0.0013%; no homozygotes.

Submission:

Labcorp Genetics (formerly Invitae), Labcorp
Classification: Uncertain significance. Last evaluated: 2025-12-22. Review status: criteria provided, single submitter. Criteria: Invitae Variant Classification Sherloc (09022015). Collection method: clinical testing. Allele origin: germline.
Comment: This sequence change replaces glutamic acid, which is acidic and polar, with glycine, which is neutral and non-polar, at codon 451 of the NEFH protein (p.Glu451Gly). This variant is not present in population databases (gnomAD no frequency). This variant has not been reported in the literature in individuals affected with NEFH-related conditions. Invitae Evidence Modeling of protein sequence and biophysical properties (such as structural, functional, and spatial information, amino acid conservation, physicochemical variation, residue mobility, and thermodynamic stability) indicates that this missense variant is not expected to disrupt NEFH protein function with a negative predictive value of 95%. In summary, the available evidence is currently insufficient to determine the role of this variant in disease. Therefore, it has been classified as a Variant of Uncertain Significance.

NM_021076.4(NEFH):c.1352A>G (p.Glu451Gly)

Gene: NEFH (neurofilament heavy chain; plus strand). Cytogenetic location: 22q12.2.
Variant type: single nucleotide variant.
Coding change: c.1352A>G on transcript NM_021076.4 (MANE Select); coding-DNA position 1352, A replaced by G.
Protein change: p.Glu451Gly; replaces glutamic acid 451 with glycine.
Molecular consequence: missense variant.
Genome position (GRCh38, 1-based): chr22:29,488,992, A>G. VCF-style: chr22-29488992-A-G. GRCh37 (hg19) VCF-style: chr22-29884981-A-G.
Other names: short protein forms E451G.
Identifiers: ClinVar variation 4803169 (VCV004803169.1).